The following is an entry in ClinVar:

ClinVar aggregate classification (germline): Uncertain significance (1 of 4 stars; one submission).

Conditions:
Mitochondrial hypertrophic cardiomyopathy with lactic acidosis due to MTO1 deficiency. Also called: CARDIOMYOPATHY, INFANTILE HYPERTROPHIC MITOCHONDRIAL, AND LACTIC ACIDOSIS; Combined oxidative phosphorylation deficiency 10. Identifiers: Orphanet 314637, MedGen C4749921, MONDO:0013865, OMIM 614702.

Allele frequency attached by ClinVar (database versions not stated): gnomAD 0.00002; TOPMed 0.00001; gnomAD exomes 0.00001; ExAC 0.00002; ESP Exome Variant Server 0.00008.
gnomAD v4.1: 14 of 1,613,996 alleles (0.00087%); highest among the groups gnomAD compares: African/African-American, 0.004%; no homozygotes.

Submission:

Labcorp Genetics (formerly Invitae), Labcorp
Classification: Uncertain significance for Mitochondrial hypertrophic cardiomyopathy with lactic acidosis due to MTO1 deficiency. Last evaluated: 2022-03-09. Review status: criteria provided, single submitter. Criteria: Invitae Variant Classification Sherloc (09022015). Collection method: clinical testing. Allele origin: germline.
Comment: This sequence change replaces leucine, which is neutral and non-polar, with methionine, which is neutral and non-polar, at codon 96 of the MTO1 protein (p.Leu96Met). This variant is present in population databases (rs145131490, gnomAD 0.008%). This variant has not been reported in the literature in individuals affected with MTO1-related conditions. ClinVar contains an entry for this variant (Variation ID: 1021110). Algorithms developed to predict the effect of missense changes on protein structure and function are either unavailable or do not agree on the potential impact of this missense change (SIFT: "Deleterious"; PolyPhen-2: "Probably Damaging"; Align-GVGD: "Class C0"). In summary, the available evidence is currently insufficient to determine the role of this variant in disease. Therefore, it has been classified as a Variant of Uncertain Significance.

NM_012123.4(MTO1):c.286T>A (p.Leu96Met)

Gene: MTO1 (mitochondrial tRNA translation optimization 1; plus strand). Cytogenetic location: 6q13.
Variant type: single nucleotide variant.
Coding change: c.286T>A on transcript NM_012123.4 (MANE Select); coding-DNA position 286, T replaced by A.
Protein change: p.Leu96Met; replaces leucine 96 with methionine.
Molecular consequence: missense variant.
Genome position (GRCh38, 1-based): chr6:73,466,277, T>A. VCF-style: chr6-73466277-T-A. GRCh37 (hg19) VCF-style: chr6-74176000-T-A.
Other names: c.286T>A, p.Leu96Met (NM_001123226.2, NM_133645.3); short protein forms L96M.
Identifiers: ClinVar variation 1021110 (VCV001021110.6), dbSNP rs145131490, ClinGen allele CA3889308.
Genomic context (GRCh38, chr6:73,466,277, plus strand): 5'-TCATGTAATCCTTCCTTTGGTGGCATCGGAAAGGGACATTTAATGAGGGAAGTAGATGCC[T>A]TGGATGGCCTGTGTTCTCGCATCTGTGACCAGTCTGGTGTACATTATAAAGTATTAAACC-3'
Protein context (NP_036255.2, residues 86-106): KGHLMREVDA[Leu96Met]DGLCSRICDQ